The following is an entry in ClinVar:

ClinVar aggregate classification (germline): Likely pathogenic (1 of 4 stars; one submission).

Conditions:
Autosomal recessive polycystic kidney disease (ARPKD). Also called: AR polycystic kidney disease. Identifiers: Orphanet 731, Orphanet 8378, MedGen C0085548, MeSH D017044, MONDO:0009889.

Submission:

Natera, Inc.
Classification: Likely pathogenic for Autosomal recessive polycystic kidney disease. Last evaluated: 2025-01-21. Review status: criteria provided, single submitter. Criteria: Natera Variant Classification Schema (03/2026). Collection method: clinical testing. Allele origin: germline.
Comment: The c.2878C>T variant in PKHD1 is a nonsense variant predicted to introduce a stop codon at amino acid 960. This variant is expected to result in nonsense mediated decay, truncation, or a dysfunctional protein product. This variant is rare in the general population with a frequency below the threshold expected for the associated phenotype(s). Given the available evidence, this variant is classified as Likely Pathogenic.

NM_138694.4(PKHD1):c.2878C>T (p.Gln960Ter)

Gene: PKHD1 (PKHD1 ciliary IPT domain containing fibrocystin/polyductin; minus strand). Cytogenetic location: 6p12.2.
Variant type: single nucleotide variant.
Coding change: c.2878C>T on transcript NM_138694.4 (MANE Select); coding-DNA position 2878, C replaced by T.
Protein change: p.Gln960Ter; replaces glutamine 960 with a stop codon.
Molecular consequence: nonsense.
Genome position (GRCh38, 1-based): chr6:52,043,078, G>A on the plus strand (C>T on the coding strand, the complement: PKHD1 is on the minus strand). VCF-style: chr6-52043078-G-A. GRCh37 (hg19) VCF-style: chr6-51907876-G-A.
Other names: c.2878C>T, p.Gln960Ter (NM_170724.3); short protein forms Q960*.
Identifiers: ClinVar variation 4060358 (VCV004060358.2).